The following is an entry in ClinVar:

ClinVar aggregate classification (germline): Likely benign (1 of 4 stars; one submission).

Submission:

GeneDx
Classification: Likely benign. Last evaluated: 2018-07-10. Review status: criteria provided, single submitter. Criteria: GeneDx Variant Classification Process June 2021. Collection method: clinical testing. Allele origin: germline. Affected: yes.
Comment: See Variant Classification Assertion Criteria.

NM_000821.7(GGCX):c.890-109_890-107del

Gene: GGCX (gamma-glutamyl carboxylase; minus strand). Cytogenetic location: 2p11.2.
Variant type: Microsatellite.
Coding change: c.890-109_890-107del on transcript NM_000821.7 (MANE Select); 109 bases into the intron before coding-DNA position 890 through 107 bases into the intron before coding-DNA position 890, 3 bases deleted (GAA; older notation c.890-109_890-107delGAA).
Molecular consequence: intron variant.
Genome position (GRCh38, 1-based): chr2:85,553,604-85,553,606, TTC deleted on the plus strand (GAA on the coding strand, the reverse complement: GGCX is on the minus strand); deleting any 3 consecutive bases within chr2:85,553,604-85,553,611 gives the same sequence; the c. name uses the placement nearest the transcript's 3' end. VCF-style (leftmost placement, unchanged base first): chr2-85553603-GTTC-G. GRCh37 (hg19) VCF-style: chr2-85780726-GTTC-G.
Other names: c.719-109_719-107del (NM_001142269.4).
Identifiers: ClinVar variation 3340370 (VCV003340370.1).